The following is an entry in ClinVar:

ClinVar aggregate classification (germline): Conflicting classifications of pathogenicity. Review status: criteria provided, conflicting classifications (1 of 4 stars). 7 submissions from 7 submitters: Uncertain significance (6); Benign (1). Last evaluated 2026-01-20.

Conditions:
RET-related disorder. Also called: RET-related condition; RET-related disease; RET-related disorders.
Hereditary cancer-predisposing syndrome. Also called: Neoplastic Syndromes, Hereditary; Hereditary Cancer Syndrome; Tumor predisposition; Hereditary neoplastic syndrome. Identifiers: Orphanet 140162, MedGen C0027672, MeSH D009386, MONDO:0015356.
Ovarian cancer. Also called: OVARIAN CANCER, SOMATIC. Identifiers: Orphanet 213500, MedGen C1140680, MONDO:0008170, OMIM 167000.
Multiple endocrine neoplasia, type 2 (MEN2). Identifiers: Orphanet 653, MedGen C4048306, MONDO:0019003. Disease mechanism: gain of function.

Allele frequency attached by ClinVar (database versions not stated): ExAC 0.00001; gnomAD 0.00001 and 0.00002; gnomAD exomes 0.00001 and 0.00002; TOPMed 0.00001.
gnomAD v4.1: 26 of 1,613,720 alleles (0.0016%); highest among the groups gnomAD compares: Non-Finnish European, 0.0021%; no homozygotes.

Submissions (7):

Labcorp Genetics (formerly Invitae), Labcorp
Classification: Uncertain significance for Multiple endocrine neoplasia, type 2. Last evaluated: 2026-01-20. Review status: criteria provided, single submitter. Criteria: Invitae Variant Classification Sherloc (09022015). Collection method: clinical testing. Allele origin: germline.
Comment: This sequence change replaces serine, which is neutral and polar, with glycine, which is neutral and non-polar, at codon 406 of the RET protein (p.Ser406Gly). This variant is present in population databases (rs756532455, gnomAD 0.003%). This variant has not been reported in the literature in individuals affected with RET-related conditions. ClinVar contains an entry for this variant (Variation ID: 480783). An algorithm developed to predict the effect of missense changes on protein structure and function outputs the following: PolyPhen-2: "Benign". The glycine amino acid residue is found in multiple mammalian species, which suggests that this missense change does not adversely affect protein function. In summary, the available evidence is currently insufficient to determine the role of this variant in disease. Therefore, it has been classified as a Variant of Uncertain Significance.

Color Diagnostics, LLC DBA Color Health
Classification: Uncertain significance for Multiple endocrine neoplasia, type 2. Last evaluated: 2025-07-18. Review status: criteria provided, single submitter. Criteria: ACMG Guidelines, 2015. Collection method: clinical testing. Allele origin: germline.
Comment: This missense variant replaces serine with glycine at codon 406 of the RET protein. Computational prediction suggests that this variant may not impact protein structure and function. To our knowledge, functional studies have not been reported for this variant. This variant has not been reported in individuals affected with RET-related disorders in the literature, but has been reported in a healthy control individual (PMID: 29641532). This variant has been identified in 3/251048 chromosomes in the general population by the Genome Aggregation Database (gnomAD). The available evidence is insufficient to determine the role of this variant in disease conclusively. Therefore, this variant is classified as a Variant of Uncertain Significance.

PreventionGenetics, part of Exact Sciences
Classification: Uncertain significance for RET-related condition. Last evaluated: 2025-05-29. Review status: criteria provided, single submitter. Criteria: ACMG Guidelines, 2015. Collection method: clinical testing. Allele origin: germline.
Comment: The RET c.1216A>G variant is predicted to result in the amino acid substitution p.Ser406Gly. To our knowledge, this variant has not been reported in the literature. This variant is reported in 0.0026% of alleles in individuals of European (Non-Finnish) descent in gnomAD and is interpreted as variant of uncertain significance in ClinVar. At this time, the clinical significance of this variant is uncertain due to the absence of conclusive functional and genetic evidence.

Ambry Genetics
Classification: Uncertain significance for Hereditary cancer-predisposing syndrome. Last evaluated: 2025-02-27. Review status: criteria provided, single submitter. Criteria: Ambry Variant Classification Scheme 2023. Collection method: clinical testing. Allele origin: germline.
Comment: The p.S406G variant (also known as c.1216A>G), located in coding exon 6 of the RET gene, results from an A to G substitution at nucleotide position 1216. The serine at codon 406 is replaced by glycine, an amino acid with similar properties. Based on data from gnomAD, the frequency for this variant is above the maximum credible frequency for a MEN2-causing variant in this gene based on internally established thresholds (Karczewski et al. Nature. 2020 May;581(7809):434-443; Whiffin et al. Genet Med. 2017 10;19:1151-1158). This amino acid position is not well conserved in available vertebrate species. In addition, this alteration is predicted to be tolerated by in silico analysis. Based on the supporting evidence, the association of this alteration with Hirschsprung disease is unknown; however, the association of this alteration with MEN2 is unlikely.

Quest Diagnostics Nichols Institute San Juan Capistrano
Classification: Uncertain significance. Last evaluated: 2024-07-24. Review status: criteria provided, single submitter. Criteria: Quest Diagnostics criteria. Collection method: clinical testing. Allele origin: unknown.

GeneDx
Classification: Uncertain significance. Last evaluated: 2022-07-21. Review status: criteria provided, single submitter. Criteria: GeneDx Variant Classification Process June 2021. Collection method: clinical testing. Allele origin: germline. Affected: yes.
Comment: Not observed at significant frequency in large population cohorts (gnomAD); In silico analysis supports that this missense variant does not alter protein structure/function; Has not been previously published as pathogenic or benign to our knowledge

Laboratory of Molecular Epidemiology of Birth Defects, West China Second University Hospital, Sichuan University
Classification: Benign for Ovarian cancer. Last evaluated: 2022-01-01. Review status: criteria provided, single submitter. Criteria: ACMG Guidelines, 2015. Collection method: clinical testing. Allele origin: germline. Affected: yes.

Literature cited by the submitters: PubMed 29641532 (cited by 3 submitters).

NM_020975.6(RET):c.1216A>G (p.Ser406Gly)

Gene: RET (ret proto-oncogene; plus strand). Cytogenetic location: 10q11.21.
Variant type: single nucleotide variant.
Coding change: c.1216A>G on transcript NM_020975.6 (MANE Select); coding-DNA position 1216, A replaced by G.
Protein change: p.Ser406Gly; replaces serine 406 with glycine.
Molecular consequence: missense variant.
Genome position (GRCh38, 1-based): chr10:43,109,183, A>G. VCF-style: chr10-43109183-A-G. GRCh37 (hg19) VCF-style: chr10-43604631-A-G.
Other names: c.1216A>G, p.Ser406Gly (NM_000323.2, NM_001406743.1, NM_001406744.1 and 6 more transcripts); c.454A>G, p.Ser152Gly (NM_001355216.2); c.1087A>G, p.Ser363Gly (NM_001406761.1, NM_001406762.1, NM_001406764.1 and 1 more transcripts); c.226A>G, p.Ser76Gly (NM_001406784.1); c.928A>G, p.Ser310Gly (NM_001406766.1, NM_001406767.1, NM_001406770.1); c.778A>G, p.Ser260Gly (NM_001406771.1, NM_001406773.1); c.490A>G, p.Ser164Gly (NM_001406775.1, NM_001406776.1, NM_001406777.1 and 1 more transcripts); short protein forms S406G, S152G, S310G, S164G, S363G, S76G, S260G.
Identifiers: ClinVar variation 480783 (VCV000480783.18), dbSNP rs756532455, ClinGen allele CA032165.